The following is an entry in ClinVar:

NM_000138.5(FBN1):c.3295G>A (p.Glu1099Lys)

Gene: FBN1 (fibrillin 1; minus strand). Cytogenetic location: 15q21.1.
Variant type: single nucleotide variant.
Coding change: c.3295G>A on transcript NM_000138.5 (MANE Select); coding-DNA position 3295, G replaced by A.
Protein change: p.Glu1099Lys; replaces glutamic acid 1099 with lysine.
Molecular consequence: missense variant.
Genome position (GRCh38, 1-based): chr15:48,488,155, C>T on the plus strand (G>A on the coding strand, the complement: FBN1 is on the minus strand). VCF-style: chr15-48488155-C-T. GRCh37 (hg19) VCF-style: chr15-48780352-C-T.
Other names: short protein forms E1099K.
Identifiers: ClinVar variation 457191 (VCV000457191.17), dbSNP rs763485521, ClinGen allele CA050267.

ClinVar aggregate classification (germline): Conflicting classifications of pathogenicity. Review status: criteria provided, conflicting classifications (1 of 4 stars). 7 submissions from 7 submitters: Uncertain significance (4); Likely benign (2). 1 of the submissions does not count toward it. Last evaluated 2025-09-22.

Conditions:
Weill-Marchesani syndrome 2, dominant. Also called: FBN1-Related Weill-Marchesani Syndrome; Weill-Marchesani Syndrome, Autosomal Dominant. Identifiers: Orphanet 2084, MedGen C1869115, MONDO:0012013, OMIM 608328.
Ectopia lentis 1, isolated, autosomal dominant (ECTOL1). Identifiers: Orphanet 1885, MedGen C3541518, MONDO:0007514, OMIM 129600.
Marfan syndrome (MFS). Also called: MARFAN SYNDROME, TYPE I; FBN1-Related Marfan Syndrome; Marfan syndrome type 1; Marfan's syndrome; Marfan syndrome, classic. Identifiers: Orphanet 284963, Orphanet 558, MedGen C0024796, MONDO:0007947, OMIM 154700.
Stiff skin syndrome (SSKS). Identifiers: Orphanet 2833, MedGen C1861456, MONDO:0008492, OMIM 184900.
Acromicric dysplasia (ACMICD). Also called: Acromicric skeletal dysplasia. Identifiers: Orphanet 969, MedGen C0265287, MONDO:0007055, OMIM 102370.
Progeroid and marfanoid aspect-lipodystrophy syndrome. Also called: MARFANOID-PROGEROID SYNDROME; MARFAN-PROGEROID-LIPODYSTROPHY SYNDROME; Marfan lipodystrophy syndrome; MARFANOID-PROGEROID-LIPODYSTROPHY SYNDROME. Identifiers: Orphanet 300382, MedGen C4310796, MONDO:0014831, OMIM 616914.
MASS syndrome (OCTD). Also called: MASS PHENOTYPE; OVERLAP CONNECTIVE TISSUE DISEASE. Identifiers: MedGen C1858556, MONDO:0011431, OMIM 604308.
Geleophysic dysplasia 2 (GPHYSD2). Identifiers: Orphanet 2623, MedGen C3280054, MONDO:0013612, OMIM 614185.
Familial thoracic aortic aneurysm and aortic dissection (TAAD). Also called: Thoracic aortic aneurysms and dissections. Identifiers: Orphanet 91387, MedGen C4707243, MONDO:0019625.

Allele frequency attached by ClinVar (database versions not stated): gnomAD 0.00004 and 0.00003; ExAC 0.00002; TOPMed 0.00003; gnomAD exomes 0.00002 and 0.00004.
gnomAD v4.1: 66 of 1,614,112 alleles (0.0041%); highest among the groups gnomAD compares: African/African-American, 0.0067%; no homozygotes.

Submissions (7):

Color Diagnostics, LLC DBA Color Health
Classification: Uncertain significance for Familial thoracic aortic aneurysm and aortic dissection. Last evaluated: 2025-09-22. Review status: criteria provided, single submitter. Criteria: ACMG Guidelines, 2015. Collection method: clinical testing. Allele origin: germline.
Comment: This missense variant replaces glutamic acid with lysine at codon 1099 of the FBN1 protein. Computational prediction suggests that this variant may not impact protein structure and function. To our knowledge, functional studies have not been reported for this variant. This variant has not been reported in individuals affected with FBN1-related disorders in the literature. This variant has been identified in 6/282882 chromosomes in the general population by the Genome Aggregation Database (gnomAD). The available evidence is insufficient to determine the role of this variant in disease conclusively. Therefore, this variant is classified as a Variant of Uncertain Significance.

Labcorp Genetics (formerly Invitae), Labcorp
Classification: Likely benign for Marfan syndrome; Familial thoracic aortic aneurysm and aortic dissection. Last evaluated: 2025-07-23. Review status: criteria provided, single submitter. Criteria: Invitae Variant Classification Sherloc (09022015). Collection method: clinical testing. Allele origin: germline.

Ambry Genetics
Classification: Uncertain significance for Familial thoracic aortic aneurysm and aortic dissection. Last evaluated: 2024-05-28. Review status: criteria provided, single submitter. Criteria: Ambry Variant Classification Scheme 2023. Collection method: clinical testing. Allele origin: germline.
Comment: The p.E1099K variant (also known as c.3295G>A), located in coding exon 26 of the FBN1 gene, results from a G to A substitution at nucleotide position 3295. The glutamic acid at codon 1099 is replaced by lysine, an amino acid with similar properties. This amino acid position is not well conserved in available vertebrate species. In addition, the in silico prediction for this alteration is inconclusive. Based on the available evidence, the clinical significance of this variant remains unclear.

All of Us Research Program, National Institutes of Health
Classification: Uncertain significance for Marfan syndrome. Last evaluated: 2023-12-01. Review status: criteria provided, single submitter. Criteria: ACMG Guidelines, 2015. Collection method: clinical testing. Allele origin: germline. Inheritance: Autosomal dominant inheritance. Observed: 7 variant alleles, 7 heterozygotes.
Comment: This missense variant replaces glutamic acid with lysine at codon 1099 of the FBN1 protein. Computational prediction suggests that this variant may not impact protein structure and function (internally defined REVEL score threshold <= 0.5, PMID: 27666373). Splice site prediction tools suggest that this variant may not impact RNA splicing. To our knowledge, functional studies have not been performed for this variant. This variant has not been reported in individuals affected with cardiovascular disorders in the literature. This variant has been identified in 6/282882 chromosomes in the general population by the Genome Aggregation Database (gnomAD). The available evidence is insufficient to determine the role of this variant in disease conclusively. Therefore, this variant is classified as a Variant of Uncertain Significance.

This study involves interpretation of variants in research participants for the purpose of population health screening. Participant phenotype was not available at the time of variant classification. Additional details can be found in publication PMID: 35346344, PMCID: PMC8962531

Blueprint Genetics
Classification: Likely benign. Last evaluated: 2023-05-10. Review status: criteria provided, single submitter. Criteria: ACMG Guidelines, 2015. Collection method: clinical testing. Allele origin: germline.

Fulgent Genetics
Classification: Uncertain significance for Acromicric dysplasia; Ectopia lentis 1, isolated, autosomal dominant; Marfan syndrome; Stiff skin syndrome; MASS syndrome; Weill-Marchesani syndrome 2, dominant; Geleophysic dysplasia 2; Progeroid and marfanoid aspect-lipodystrophy syndrome. Last evaluated: 2021-08-13. Review status: criteria provided, single submitter. Criteria: ACMG Guidelines, 2015. Collection method: clinical testing. Allele origin: unknown.

Center for Medical Genetics Ghent, University of Ghent
Classification: Uncertain significance for Marfan syndrome. Last evaluated: 2017-11-07. Review status: no assertion criteria provided. Collection method: clinical testing. Allele origin: germline. Affected: yes. Not counted in ClinVar's aggregate classification.